The following is an entry in ClinVar:

ClinVar aggregate classification (germline): Uncertain significance. Review status: criteria provided, multiple submitters, no conflicts (2 of 4 stars). 3 submissions from 3 submitters: Uncertain significance (3). Last evaluated 2025-01-20.

Conditions:
Hypertrophic cardiomyopathy 1 (CMH1). Also called: Familial hypertrophic cardiomyopathy 1; MYH7-Related Familial Hypertrophic Cardiomyopathy. Identifiers: MedGen C3495498, MONDO:0008647, OMIM 192600.

Allele frequency attached by ClinVar (database versions not stated): 1000 Genomes Project 30x 0.00031; TOPMed 0.00001; gnomAD 0.00001; gnomAD exomes 0.00001; 1000 Genomes Project 0.00020.

Submissions (3):

Labcorp Genetics (formerly Invitae), Labcorp
Classification: Uncertain significance for Hypertrophic cardiomyopathy 1. Last evaluated: 2025-01-20. Review status: criteria provided, single submitter. Criteria: Invitae Variant Classification Sherloc (09022015). Collection method: clinical testing. Allele origin: germline.
Comment: This sequence change replaces valine, which is neutral and non-polar, with isoleucine, which is neutral and non-polar, at codon 509 of the MYLK2 protein (p.Val509Ile). This variant is present in population databases (rs183224373, gnomAD 0.003%). This variant has not been reported in the literature in individuals affected with MYLK2-related conditions. ClinVar contains an entry for this variant (Variation ID: 858168). Invitae Evidence Modeling of protein sequence and biophysical properties (such as structural, functional, and spatial information, amino acid conservation, physicochemical variation, residue mobility, and thermodynamic stability) indicates that this missense variant is not expected to disrupt MYLK2 protein function with a negative predictive value of 80%. In summary, the available evidence is currently insufficient to determine the role of this variant in disease. Therefore, it has been classified as a Variant of Uncertain Significance.

Ambry Genetics
Classification: Uncertain significance. Last evaluated: 2023-10-12. Review status: criteria provided, single submitter. Criteria: Ambry Variant Classification Scheme 2023. Collection method: clinical testing. Allele origin: germline.
Comment: The p.V509I variant (also known as c.1525G>A), located in coding exon 10 of the MYLK2 gene, results from a G to A substitution at nucleotide position 1525. The valine at codon 509 is replaced by isoleucine, an amino acid with highly similar properties. This amino acid position is conserved. In addition, this alteration is predicted to be tolerated by in silico analysis. Since supporting evidence is limited at this time, the clinical significance of this alteration remains unclear.

GeneDx
Classification: Uncertain significance. Last evaluated: 2019-04-08. Review status: criteria provided, single submitter. Criteria: GeneDx Variant Classification Process June 2021. Collection method: clinical testing. Allele origin: germline. Affected: yes.
Comment: Not observed at a significant frequency in large population cohorts (Lek et al., 2016); In silico analysis, which includes protein predictors and evolutionary conservation, supports that this variant does not alter protein structure/function; Has not been previously published as pathogenic or benign to our knowledge

NM_033118.4(MYLK2):c.1525G>A (p.Val509Ile)

Gene: MYLK2 (myosin light chain kinase 2; plus strand). Cytogenetic location: 20q11.21.
Variant type: single nucleotide variant.
Coding change: c.1525G>A on transcript NM_033118.4 (MANE Select); coding-DNA position 1525, G replaced by A.
Protein change: p.Val509Ile; replaces valine 509 with isoleucine.
Molecular consequence: missense variant.
Genome position (GRCh38, 1-based): chr20:31,831,803, G>A. VCF-style: chr20-31831803-G-A. GRCh37 (hg19) VCF-style: chr20-30419606-G-A.
Other names: short protein forms V509I.
Identifiers: ClinVar variation 858168 (VCV000858168.12), dbSNP rs183224373, ClinGen allele CA313851846.